The following is an entry in ClinVar:

NC_000007.14:g.(?_94598775)_(94603452_?)del

Genes: CASD1 (CAS1 domain sialic acid O acetyltransferase 1; plus strand), SGCE (sarcoglycan epsilon; minus strand). Cytogenetic location: 7q21.3.
Variant type: Deletion.
Identifiers: ClinVar variation 464148 (VCV000464148.1).

ClinVar aggregate classification (germline): Pathogenic (1 of 4 stars; one submission).

Conditions:
Myoclonic dystonia 11 (DYT11). Also called: DYT-SGCE; Myoclonic dystonia; Dystonia 11; Dystonia, alcohol responsive; Hereditary essential myoclonus; SGCE Myoclonus-Dystonia. Identifiers: Orphanet 36899, MedGen C1834570, MONDO:0008044, OMIM 159900.

Submission:

Labcorp Genetics (formerly Invitae), Labcorp
Classification: Pathogenic for Myoclonic dystonia 11. Last evaluated: 2016-05-02. Review status: criteria provided, single submitter. Criteria: Invitae Variant Classification Sherloc (09022015). Collection method: clinical testing. Allele origin: germline.
Comment: This variant is a gross deletion of the genomic region encompassing exons 6-9 of the SGCE gene. This leads to an in-frame deletion, preserving the integrity of the reading frame. Gross deletions of SGCE are known to be pathogenic. Â¬â€ A similar copy number change has been reported in an individual with myclonus dystonia (PMID: 19066193). For these reasons, this variant has been classified as Pathogenic.